The following is an entry in ClinVar:

NM_030770.4(TMPRSS5):c.1105T>C (p.Phe369Leu)

Genes: TMPRSS5 (transmembrane serine protease 5; minus strand), LOC126861343 (MED14-independent group 3 enhancer GRCh37_chr11:113560791-113561990; plus strand). Cytogenetic location: 11q23.2.
Variant type: single nucleotide variant.
Coding change: c.1105T>C on transcript NM_030770.4 (MANE Select); coding-DNA position 1105, T replaced by C.
Protein change: p.Phe369Leu; replaces phenylalanine 369 with leucine.
Molecular consequence: missense variant. On other transcripts: non-coding transcript variant (2).
Genome position (GRCh38, 1-based): chr11:113,690,332, A>G on the plus strand (T>C on the coding strand, the complement: TMPRSS5 is on the minus strand). VCF-style: chr11-113690332-A-G. GRCh37 (hg19) VCF-style: chr11-113561054-A-G.
Other names: c.766T>C, p.Phe256Leu (NM_001288749.2); c.973T>C, p.Phe325Leu (NM_001288750.2); c.1078T>C, p.Phe360Leu (NM_001288751.2); c.898T>C, p.Phe300Leu (NM_001288752.2); short protein forms F369L, F325L, F300L, F256L, F360L.
Identifiers: ClinVar variation 508109 (VCV000508109.2), dbSNP rs7110736, ClinGen allele CA6281621.

ClinVar aggregate classification (germline): Benign. Review status: criteria provided, multiple submitters, no conflicts (2 of 4 stars). 2 submissions from 2 submitters: Benign (2). Last evaluated 2017-05-09.

Allele frequency attached by ClinVar (database versions not stated): gnomAD exomes 0.68778 and 0.65748; ExAC 0.69590; ESP Exome Variant Server 0.73615; gnomAD 0.73968 and 0.74109; TOPMed 0.75233; 1000 Genomes Project 0.77017; 1000 Genomes Project 30x 0.77530.
gnomAD v4.1: 1,066,301 of 1,600,988 alleles (67%); highest among the groups gnomAD compares: African/African-American, 92%; 359,292 homozygotes.

Submissions (2):

GeneDx
Classification: Benign. Last evaluated: 2017-05-09. Review status: criteria provided, single submitter. Criteria: GeneDx Variant Classification (06012015). Collection method: clinical testing. Allele origin: germline. Affected: yes.
Comment: This variant is considered likely benign or benign based on one or more of the following criteria: it is a conservative change, it occurs at a poorly conserved position in the protein, it is predicted to be benign by multiple in silico algorithms, and/or has population frequency not consistent with disease.

Breakthrough Genomics
Classification: Benign. Review status: criteria provided, single submitter. Criteria: ACMG Guidelines, 2015. Collection method: not provided. Allele origin: germline. Inheritance: Unknown mechanism. Affected: yes.